The following is an entry in ClinVar:

NM_000231.3(SGCG):c.*54C>T

Gene: SGCG (sarcoglycan gamma; plus strand). Cytogenetic location: 13q12.12.
Variant type: single nucleotide variant.
Coding change: c.*54C>T on transcript NM_000231.3 (MANE Select); 54 bases downstream of the stop codon, C replaced by T.
Molecular consequence: 3 prime UTR variant.
Genome position (GRCh38, 1-based): chr13:23,324,595, C>T. VCF-style: chr13-23324595-C-T. GRCh37 (hg19) VCF-style: chr13-23898734-C-T.
Other names: c.*54C>T (NM_001378244.1, NM_001378245.1, NM_001378246.1).
Identifiers: ClinVar variation 883804 (VCV000883804.35), dbSNP rs193022162, ClinGen allele CA246641476.

ClinVar aggregate classification (germline): Likely benign. Review status: criteria provided, multiple submitters, no conflicts (2 of 4 stars). 4 submissions from 4 submitters: Likely benign (4). Last evaluated 2026-09-01.

Conditions:
Sarcoglycanopathy. Identifiers: Orphanet 207052, MedGen C2936331, MONDO:0016140.

Allele frequency attached by ClinVar (database versions not stated): 1000 Genomes Project 0.00260; 1000 Genomes Project 30x 0.00297; TOPMed 0.00323; gnomAD 0.00420 and 0.00424; gnomAD exomes 0.00445.
gnomAD v4.1: 6,620 of 1,497,486 alleles (0.44%); highest among the groups gnomAD compares: Middle Eastern, 0.61%; 27 homozygotes.

Submissions (4):

CeGaT Center for Human Genetics Tuebingen
Classification: Likely benign. Last evaluated: 2026-09-01. Review status: criteria provided, single submitter. Criteria: CeGaT Center For Human Genetics Tuebingen Variant Classification Criteria Version 2. Collection method: clinical testing. Allele origin: germline. Affected: yes. Observed: 18 variant alleles.
Comment: SGCG: BS2

GeneDx
Classification: Likely benign. Last evaluated: 2018-06-16. Review status: criteria provided, single submitter. Criteria: GeneDx Variant Classification Process June 2021. Collection method: clinical testing. Allele origin: germline. Affected: yes.

Illumina Laboratory Services, Illumina
Classification: Likely benign for Sarcoglycanopathy. Last evaluated: 2018-01-12. Review status: criteria provided, single submitter. Criteria: ICSL Variant Classification Criteria 13 December 2019. Collection method: clinical testing. Allele origin: germline.
Comment: This variant was observed in the ICSL laboratory as part of a predisposition screen in an ostensibly healthy population. It had not been previously curated by ICSL or reported in the Human Gene Mutation Database (HGMD: prior to June 1st, 2018), and was therefore a candidate for classification through an automated scoring system. Utilizing variant allele frequency, disease prevalence and penetrance estimates, and inheritance mode, an automated score was calculated to assess if this variant is too frequent to cause the disease. Based on the score and internal cut-off values, a variant classified as likely benign is not then subjected to further curation. The score for this variant resulted in a classification of likely benign for this disease.

Breakthrough Genomics
Classification: Likely benign. Review status: criteria provided, single submitter. Criteria: ACMG Guidelines, 2015. Collection method: not provided. Allele origin: germline. Inheritance: Autosomal recessive inheritance. Affected: yes.